The following continues an entry in ClinVar:

NM_000277.3(PAH):c.838G>A (p.Glu280Lys)

Gene: PAH. ClinVar aggregate classification (germline): Pathogenic. Pathogenic (19).

Submissions 13 to 24 of 24:

Ambry Genetics
Classification: Pathogenic for Inborn genetic diseases. Last evaluated: 2020-07-29. Review status: criteria provided, single submitter. Criteria: Ambry Variant Classification Scheme 2023. Collection method: clinical testing. Allele origin: germline.
Comment: The alteration results in an amino acid change:_x000D_ _x000D_ The c.838G>A (p.E280K) alteration is located in coding exon 7 of the PAH gene. This alteration results from a G to A substitution at nucleotide position 838, causing the glutamic acid (E) at amino acid position 280 to be replaced by a lysine (K). The alteration is rare in population databases:_x000D_ _x000D_ Based on data from the Genome Aggregation Database (gnomAD) database, the PAH c.838G>A alteration was observed in 0.006% (16/282,678) of total alleles studied, with a frequency of 0.008% (10/128,998) in the European (non-Finnish) subpopulation. The alteration has been observed in affected individuals:_x000D_ _x000D_ This alteration has been reported homozygous or compound heterozygous with another mutation in PAH in multiple unrelated patients with phenylalanine hydroxylase (PAH) deficiency (Lyonnet, 1989; Okano, 1991; Su, 2019). The altered amino acid is conserved throughout evolution:_x000D_ _x000D_ The p.E280 amino acid is conserved in available vertebrate species. Functional analysis reveals a damaging effect of the amino acid alteration: _x000D_ _x000D_ Functional analysis demonstrated that the E280K alteration decreases PAH activity significantly compared to wild-type (Zurfl&uuml;h, 2008; Shi, 2012). Three-dimensional structural analysis of the protein reveals that this alteration is an active site mutation (Pey, 2003). The alteration is predicted deleterious by in silico modeling:_x000D_ _x000D_ The p.E280K alteration is predicted to be deleterious by in silico analysis. Based on the available evidence, this alteration is classified as pathogenic.

GeneDx
Classification: Pathogenic. Last evaluated: 2020-01-28. Review status: criteria provided, single submitter. Criteria: GeneDx Variant Classification Process June 2021. Collection method: clinical testing. Allele origin: germline. Affected: yes.
Comment: Published functional studies demonstrate that E280K is associated no detectable residual enzyme activity (Pey et al., 2003; Pey et al., 2007); Not observed at a significant frequency in large population cohorts (gnomAD); In silico analysis, which includes protein predictors and evolutionary conservation, supports a deleterious effect; Classified as not responsive to tetrahydrobiopterin (BH4) therapy (Zurfluh et al. 2008); This variant is associated with the following publications: (PMID: 2014036, 21953985, 30747360, 9399896, 1971144, 25087612, 22975760, 23500595, 17935162, 25750018, 2564729, 28676969, 29499199, 29317692, 12655546, 9101291, 30037505, 30963030, 31355225, 31589614, 33101986, 17924342, 32778825, 29288420, 33375644)

Myriad Genetics, Inc.
Classification: Pathogenic for Phenylketonuria. Last evaluated: 2019-12-19. Review status: criteria provided, single submitter. Criteria: Myriad Women's Health Autosomal Recessive and X-Linked Classification Criteria (2019). Collection method: clinical testing. Allele origin: unknown.
Comment: NM_000277.1(PAH):c.838G>A(E280K) is classified as pathogenic in the context of phenylalanine hydroxylase deficiency. Sources cited for classification include the following: PMID 12655546, 11524738, 9781015, 17935162, 1971144, 23500595 and 2564729. Classification of NM_000277.1(PAH):c.838G>A(E280K) is based on the following criteria: This is a well-established pathogenic variant in the literature that has been observed more frequently in patients with clinical diagnoses than in healthy populations. Please note: this variant was assessed in the context of healthy population screening.

Women's Health and Genetics/Laboratory Corporation of America, LabCorp
Classification: Pathogenic for Phenylketonuria. Last evaluated: 2018-02-15. Review status: criteria provided, single submitter. Criteria: LabCorp Variant Classification Summary - May 2015. Collection method: clinical testing. Allele origin: germline.
Comment: Variant summary: PAH c.838G>A (p.Glu280Lys) results in a conservative amino acid change located in the C-terminal domain of the Aromatic amino acid hydroxylase (IPR019774) of the encoded protein sequence. Four of five in-silico tools predict a damaging effect of the variant on protein function. The c.838G>A variant has been reported in the literature in several individuals affected with Phenylalanine Hydroxylase Deficiency (Phenylketonuria) either in a homozygous state or in a compound heterozygosity with other HPA variants considered as pathogenic (e.g. Pey 2003, Kayaalp 1997, Couce 2013, Aldamiz-Echevarria 2016). These data indicate that the variant is very likely to be associated with disease. Publications also reported experimental evidence evaluating an impact on protein function, concluding that the variant affected both folding and catalysis (Pey 2003). The most pronounced variant effect results in <10% of normal activity. One study reported absent/minimal BH4 responsiveness for patients carrying the variant (Couce 2013). Four clinical diagnostic laboratories have submitted clinical-significance assessments for this variant to ClinVar after 2014 without evidence for independent evaluation. All laboratories classified the variant as pathogenic. Based on the evidence outlined above, the variant was classified as pathogenic.

Eurofins Ntd Llc (ga)
Classification: Pathogenic. Last evaluated: 2017-03-02. Review status: criteria provided, single submitter. Criteria: EGL Classification Definitions 2015. Collection method: clinical testing. Allele origin: germline. Observed: 21 variant alleles, 21 heterozygotes.

Genome Diagnostics Laboratory, University Medical Center Utrecht
Classification: Pathogenic for Phenylketonuria. Last evaluated: 2014-10-08. Review status: criteria provided, single submitter. Criteria: ACGS Guidelines, 2013. Collection method: clinical testing. Allele origin: germline. Affected: yes. Study: VKGL Data-share Consensus.

Juno Genomics, Hangzhou Juno Genomics, Inc
Classification: Pathogenic for Phenylketonuria. Review status: criteria provided, single submitter. Criteria: ACMG Guidelines, 2015. Collection method: clinical testing. Allele origin: germline.
Comment: Novel missense change at an amino acid residue where a different missense change determined to be pathogenic has been seen before.;Absent from controls (or at extremely low frequency if recessive) in Genome Aggregation Database.;Well-established in vitro or in vivo functional studies supportive of a damaging effect on the gene or gene product.;For recessive disorders, detected in trans with a pathogenic variant.

Undiagnosed Diseases Network, NIH
Classification: Pathogenic for Polymicrogyria, perisylvian, with cerebellar hypoplasia and arthrogryposis. Last evaluated: 2022-10-27. Review status: no assertion criteria provided. Collection method: clinical testing. Allele origin: paternal. Affected: yes. Observed: 1 variant allele, 1 heterozygote. Not counted in ClinVar's aggregate classification.

Genome Diagnostics Laboratory, Amsterdam University Medical Center
Classification: Pathogenic for Phenylketonuria. Last evaluated: 2016-11-09. Review status: no assertion criteria provided. Criteria: ACGS Guidelines, 2013. Collection method: clinical testing. Allele origin: germline. Affected: yes. Study: VKGL Data-share Consensus. Not counted in ClinVar's aggregate classification.

OMIM
Classification: Pathogenic for PHENYLKETONURIA. Last evaluated: 1997-01-01. Review status: no assertion criteria provided. Collection method: literature only. Allele origin: germline. Not counted in ClinVar's aggregate classification.

DeBelle Laboratory for Biochemical Genetics, MUHC/MCH RESEARCH INSTITUTE
No classification provided. Review status: no classification provided. Collection method: not provided. Allele origin: not provided. Not counted in ClinVar's aggregate classification.

Joint Genome Diagnostic Labs from Nijmegen and Maastricht, Radboudumc and MUMC+
Classification: Pathogenic. Review status: no assertion criteria provided. Collection method: clinical testing. Allele origin: germline. Affected: yes. Study: VKGL Data-share Consensus. Not counted in ClinVar's aggregate classification.

Literature cited by the submitters: PubMed 27121329 (cited by Dasa); PubMed 12655546 (cited by 6 submitters); PubMed 2564729 (cited by 7 submitters); PubMed 2014036 (cited by 5 submitters); PubMed 17935162 (cited by 5 submitters); PubMed 23500595 (cited by 6 submitters); PubMed 21953985 (cited by Labcorp Genetics (formerly Invitae), Labcorp and Ambry Genetics); PubMed 11161839 (cited by Mayo Clinic Laboratories, Mayo Clinic); PubMed 29499199 (cited by Mayo Clinic Laboratories, Mayo Clinic and Quest Diagnostics Nichols Institute San Juan Capistrano); PubMed 30963030 (cited by Mayo Clinic Laboratories, Mayo Clinic and Quest Diagnostics Nichols Institute San Juan Capistrano); PubMed 31355225 (cited by Mayo Clinic Laboratories, Mayo Clinic and Ambry Genetics); PubMed 33101986 (cited by Mayo Clinic Laboratories, Mayo Clinic); PubMed 33375644 (cited by Mayo Clinic Laboratories, Mayo Clinic); PubMed 34828281 (cited by Mayo Clinic Laboratories, Mayo Clinic); PubMed 36646061 (cited by Mayo Clinic Laboratories, Mayo Clinic); PubMed 37421234 (cited by Mayo Clinic Laboratories, Mayo Clinic); PubMed 17502162 (cited by Natera, Inc.); PubMed 22763404 (cited by Quest Diagnostics Nichols Institute San Juan Capistrano); PubMed 11524738 (cited by Myriad Genetics, Inc.); PubMed 9781015 (cited by Myriad Genetics, Inc.); PubMed 1971144 (cited by Myriad Genetics, Inc. and OMIM); PubMed 9399896 (cited by Women's Health and Genetics/Laboratory Corporation of America, LabCorp); PubMed 9101291 (cited by OMIM).